The following is an entry in ClinVar:

NM_178537.5(B4GALNT4):c.2817C>T (p.Phe939=)

Gene: B4GALNT4 (beta-1,4-N-acetyl-galactosaminyltransferase 4; plus strand). Cytogenetic location: 11p15.5.
Variant type: single nucleotide variant.
Coding change: c.2817C>T on transcript NM_178537.5 (MANE Select); coding-DNA position 2817, C replaced by T.
Protein change: p.Phe939=; no amino-acid change (phenylalanine 939 retained).
Molecular consequence: synonymous variant.
Genome position (GRCh38, 1-based): chr11:380,393, C>T. VCF-style: chr11-380393-C-T. GRCh37 (hg19) VCF-style: chr11-380393-C-T.
Identifiers: ClinVar variation 2641042 (VCV002641042.24), dbSNP rs146988005, ClinGen allele CA5775159.

ClinVar aggregate classification (germline): Likely benign (1 of 4 stars; one submission).

Allele frequency attached by ClinVar (database versions not stated): ExAC 0.00008; gnomAD 0.00016; TOPMed 0.00017; gnomAD exomes 0.00029; ESP Exome Variant Server 0.00031.
gnomAD v4.1: 444 of 1,612,794 alleles (0.028%); highest among the groups gnomAD compares: Non-Finnish European, 0.036%; 1 homozygote.

Submission:

CeGaT Center for Human Genetics Tuebingen
Classification: Likely benign. Last evaluated: 2022-10-01. Review status: criteria provided, single submitter. Criteria: CeGaT Center For Human Genetics Tuebingen Variant Classification Criteria Version 2. Collection method: clinical testing. Allele origin: germline. Affected: yes. Observed: 1 variant allele.
Comment: B4GALNT4: BP4, BP7